The following is an entry in ClinVar:

ClinVar aggregate classification (germline): Uncertain significance (1 of 4 stars; one submission).

Allele frequency attached by ClinVar (database versions not stated): gnomAD exomes below 0.00001; ExAC 0.00001.
gnomAD v4.1: 2 of 1,614,254 alleles (0.00012%); highest among the groups gnomAD compares: Non-Finnish European, 0.00017%; no homozygotes.

Submission:

ARUP Laboratories, Molecular Genetics and Genomics, ARUP Laboratories
Classification: Uncertain significance. Last evaluated: 2020-07-15. Review status: criteria provided, single submitter. Criteria: ARUP Molecular Germline Variant Investigation Process. Collection method: clinical testing. Allele origin: germline.
Comment: The NOD2 c.2783G>A; p.Ser928Asn variant (rs772064514), to our knowledge, is not reported in the medical literature or gene specific databases. This variant is only observed on one allele in the Genome Aggregation Database, indicating it is not a common polymorphism. The serine at codon 928 is moderately conserved, but computational analyses (SIFT, PolyPhen-2) predict that this variant is tolerated. Due to limited information, the clinical significance of the p.Ser928Asn variant is uncertain at this time.

NM_001370466.1(NOD2):c.2702G>A (p.Ser901Asn)

Gene: NOD2 (nucleotide binding oligomerization domain containing 2; plus strand). Cytogenetic location: 16q12.1.
Variant type: single nucleotide variant.
Coding change: c.2702G>A on transcript NM_001370466.1 (MANE Select); coding-DNA position 2702, G replaced by A.
Protein change: p.Ser901Asn; replaces serine 901 with asparagine.
Molecular consequence: missense variant. On other transcripts: non-coding transcript variant (1).
Genome position (GRCh38, 1-based): chr16:50,722,690, G>A. VCF-style: chr16-50722690-G-A. GRCh37 (hg19) VCF-style: chr16-50756601-G-A.
Other names: c.2702G>A, p.Ser901Asn (NM_001293557.2); c.2783G>A, p.Ser928Asn (NM_022162.3); short protein forms S901N, S928N.
Identifiers: ClinVar variation 994371 (VCV000994371.8), dbSNP rs772064514, ClinGen allele CA8051966.